The following continues an entry in ClinVar:

NM_007194.4(CHEK2):c.1111C>T (p.His371Tyr)

Gene: CHEK2. ClinVar aggregate classification (germline): Conflicting classifications of pathogenicity. Uncertain significance (13); Benign (1); Likely benign (4).

Submissions 9 to 20 of 20:

Neuberg Centre For Genomic Medicine, NCGM
Classification: Uncertain significance for Bone osteosarcoma. Last evaluated: 2023-02-14. Review status: criteria provided, single submitter. Criteria: ACMG Guidelines, 2015. Collection method: clinical testing. Allele origin: germline. Inheritance: Autosomal dominant inheritance. Affected: yes.
Comment: The missense c.1111C>T(p.His371Tyr) variant in CHEK2 gene has been reported in heterozygous state in individuals with susceptibility to breast cancer (Liu Y, et. al., 2015). The p.His371Tyr variant is reported with an allele frequency of 0.05% in the gnomAD exomes database and is novel (not in any individuals) in 1000 Genomes database. This variant has been reported to the ClinVar database as Benign/Likely benign/ Uncertain Significance (multiple submission). The amino acid change p.His371Tyr in CHEK2 is predicted as conserved by GERP++ and PhyloP across 100 vertebrates. The amino acid His at position 371 is changed to a Tyr changing protein sequence and it might alter its composition and physico-chemical properties. For these reasons, this variant has been classified as Varint of Uncertain Significance (VUS).

Quest Diagnostics Nichols Institute San Juan Capistrano
Classification: Benign. Last evaluated: 2022-10-21. Review status: criteria provided, single submitter. Criteria: Quest Diagnostics criteria. Collection method: clinical testing. Allele origin: unknown.

GeneDx
Classification: Uncertain significance. Last evaluated: 2022-09-29. Review status: criteria provided, single submitter. Criteria: GeneDx Variant Classification Process June 2021. Collection method: clinical testing. Allele origin: germline. Affected: yes.
Comment: Reported in individuals with breast cancer, but also in unaffected controls (Chen et al., 2008; LeCalvez-Kelm et al., 2011; Baloch et al., 2014; Caminsky et al., 2016; Momozawa et al., 2018; Pfaendler and Randall, 2019; Chen et al., 2020; Lang et al., 2020); Published functional studies are inconclusive/conflicting: decreased phosphorylation and CHEK2 kinase activity in one study, but DNA damage response, cell growth rates, and Kap1 phosphorylation similar to wild-type in other studies (Liu et al., 2011; Delimitsou et al., 2019; Boonen et al., 2022); In silico analysis supports that this missense variant does not alter protein structure/function; Also known as c.1240C>T; p.His414Tyr; This variant is associated with the following publications: (PMID: 23806170, 16883537, 21618645, 28580595, 31220302, 31296309, 30826992, 31358837, 32801835, 24390236, 25629968, 18484200, 21244692, 27442652, 23960188, 26787654, 26898890, 28152038, 27751358, 28873162, 28961279, 29020732, 23318652, 29338689, 29879026, 29506128, 28301460, 29667044, 29470806, 28553140, 27783279, 27621404, 30723762, 29356917, 30851065, 30630526, 30287823, 31054147, 31472684, 32091409, 33313162, 31742824, 33322746, 30975222, 31980526, 32521533, 34426522, 32906215, 34903604, 31721094, 35643632, 28888541, 34926254, 22419737, 19782031, 25884806, 34282142, 32923877, 34716641, 34630562, 34567566)

Color Diagnostics, LLC DBA Color Health
Classification: Likely benign for Hereditary cancer-predisposing syndrome. Last evaluated: 2021-11-22. Review status: criteria provided, single submitter. Criteria: ACMG Guidelines, 2015. Collection method: clinical testing. Allele origin: germline.

Genetics and Molecular Pathology, SA Pathology
Classification: Uncertain significance for Familial cancer of breast. Last evaluated: 2021-07-30. Review status: criteria provided, single submitter. Criteria: ACMG Guidelines, 2015. Collection method: clinical testing. Allele origin: germline. Affected: yes.

Ambry Genetics
Classification: Likely benign for Hereditary cancer-predisposing syndrome. Last evaluated: 2021-06-15. Review status: criteria provided, single submitter. Criteria: Ambry Variant Classification Scheme 2023. Collection method: clinical testing. Allele origin: germline.

Mendelics
Classification: Uncertain significance for Familial cancer of breast. Last evaluated: 2019-05-28. Review status: criteria provided, single submitter. Criteria: Mendelics Assertion Criteria 2017. Collection method: clinical testing. Allele origin: unknown.

Cancer Genomics Group, Japanese Foundation For Cancer Research
Classification: Uncertain significance for Hereditary breast and ovarian cancer syndrome. Last evaluated: 2019-05-01. Review status: criteria provided, single submitter. Criteria: ACMG Guidelines, 2015. Collection method: research. Allele origin: germline. Affected: yes.

Genetic Services Laboratory, University of Chicago
Classification: Uncertain significance. Last evaluated: 2019-03-04. Review status: criteria provided, single submitter. Criteria: ACMG Guidelines, 2015. Collection method: clinical testing. Allele origin: germline. Affected: no.

3DMed Clinical Laboratory Inc
Classification: Uncertain significance for Neoplasm of the breast. Last evaluated: 2017-08-31. Review status: criteria provided, single submitter. Criteria: ACMG Guidelines, 2015. Collection method: clinical testing. Allele origin: germline. Affected: yes. Observed: 2 variant alleles.

University Health Network, Princess Margaret Cancer Centre
Classification: Uncertain significance for Familial cancer of breast; Ovarian cancer; Lung cancer. Last evaluated: 2021-03-19. Review status: no assertion criteria provided. Collection method: clinical testing. Allele origin: somatic. Affected: no. Not counted in ClinVar's aggregate classification.

Department of Pathology and Laboratory Medicine, Sinai Health System
Classification: Uncertain significance for Malignant tumor of breast. Review status: no assertion criteria provided. Collection method: clinical testing. Allele origin: unknown. Affected: yes. Observed: 3 variant alleles. Study: The Canadian Open Genetics Repository (COGR). Not counted in ClinVar's aggregate classification.
Comment: The CHEK2 p.His371Tyr variant was identified in 57 of 8408 proband chromosomes (frequency: 0.01) from individuals or families with breast cancer, diffuse large B cell lymphomas, or hematologic cancer and was identified in 3 of 2658 control chromosomes (frequency: 0.001) from healthy individuals (Baloch 2014, de Miranda 2013, Eoh 2017, Liu 2015, Le Calvez-Kelm 2011, Rashid 2013). The variant was also identified in dbSNP (ID: rs531398630) as â€š With Likely pathogenic alleleâ€šÃ„Ã¹, in ClinVar (classified as uncertain significance by GeneDx, Ambry Genetics, Invitae and Quest Diagnostics Nichols Institute San Juan Capistrano), Cosmic, MutDB, and the Zhejiang University Database. The variant was identified in control databases in 119 of 275180 chromosomes (1 homozygous) at a frequency of 0.0004 increasing the likelihood this could be a low frequency benign variant (Genome Aggregation Database Feb 27, 2017). It was observed in the following populations: â€š Otherâ€šÃ„Ã¹ in 1 of 6440 chromosomes (freq: 0.0002), Latino in 1 of 34404 chromosomes (freq: 0.00003), European in 4 of 125344 chromosomes (freq: 0.00003), East Asian in 80 of 18868 chromosomes (freq: 0.004), and South Asian in 33 of 30782 chromosomes (freq: 0.001); it was not observed in the African, Ashkenazi Jewish, or Finnish populations. The p.His371 residue is not conserved in mammals and four out of five computational analyses (PolyPhen-2, SIFT, AlignGVGD, BLOSUM, MutationTaster) do not suggest a high likelihood of impact to the protein; however, this information is not predictive enough to rule out pathogenicity. The variant occurs outside of the splicing consensus sequence and 2 of 5 in silico or computational prediction software programs (SpliceSiteFinder, MaxEntScan, NNSPLICE, GeneSplicer, HumanSpliceFinder) predict a greater than 10% difference in splicing; this is not very predictive of pathogenicity. In addition, the p.His371Tyr amino acid change is within the activation loop of the CHEK2 kinase domain, which is essential for activation of CHEK2 in response to DNA damage (Baloch 2014). In summary, based on the above information the clinical significance of this variant cannot be determined with certainty at this time. This variant is classified as a variant of uncertain significance.

Literature cited by the submitters: PubMed 23960188 (cited by 4 submitters); PubMed 21244692 (cited by 4 submitters); PubMed 26787654 (cited by Women's Health and Genetics/Laboratory Corporation of America, LabCorp and Quest Diagnostics Nichols Institute San Juan Capistrano); PubMed 24390236 (cited by 5 submitters); PubMed 25629968 (cited by 3 submitters); PubMed 27621404 (cited by Women's Health and Genetics/Laboratory Corporation of America, LabCorp and Quest Diagnostics Nichols Institute San Juan Capistrano); PubMed 27751358 (cited by Women's Health and Genetics/Laboratory Corporation of America, LabCorp and Quest Diagnostics Nichols Institute San Juan Capistrano); PubMed 21618645 (cited by 6 submitters); PubMed 25884806 (cited by 4 submitters); PubMed 30287823 (cited by 3 submitters); PubMed 30851065 (cited by 4 submitters); PubMed 27442652 (cited by 3 submitters); PubMed 37449874 (cited by Women's Health and Genetics/Laboratory Corporation of America, LabCorp); PubMed 40893051 (cited by Women's Health and Genetics/Laboratory Corporation of America, LabCorp); PubMed 16883537 (cited by Labcorp Genetics (formerly Invitae), Labcorp and Quest Diagnostics Nichols Institute San Juan Capistrano); PubMed 18484200 (cited by 3 submitters); PubMed 29338689 (cited by 3 submitters); PubMed 29667044 (cited by Labcorp Genetics (formerly Invitae), Labcorp and Quest Diagnostics Nichols Institute San Juan Capistrano); PubMed 32091409 (cited by Labcorp Genetics (formerly Invitae), Labcorp and Quest Diagnostics Nichols Institute San Juan Capistrano); PubMed 32521533 (cited by Labcorp Genetics (formerly Invitae), Labcorp and Quest Diagnostics Nichols Institute San Juan Capistrano); PubMed 31472684 (cited by Quest Diagnostics Nichols Institute San Juan Capistrano and Ambry Genetics); PubMed 31742824 (cited by Quest Diagnostics Nichols Institute San Juan Capistrano and Ambry Genetics); PubMed 29506128 (cited by Quest Diagnostics Nichols Institute San Juan Capistrano and Ambry Genetics); PubMed 29470806 (cited by Quest Diagnostics Nichols Institute San Juan Capistrano and Ambry Genetics); PubMed 29020732 (cited by 3 submitters); PubMed 28961279 (cited by Quest Diagnostics Nichols Institute San Juan Capistrano and Ambry Genetics); PubMed 23806170 (cited by 3 submitters); PubMed 23318652 (cited by Quest Diagnostics Nichols Institute San Juan Capistrano and Ambry Genetics); PubMed 28580595 (cited by Ambry Genetics).